The following is an entry in ClinVar:

NM_020778.5(ALPK3):c.4198G>A (p.Asp1400Asn)

Gene: ALPK3 (alpha kinase 3; plus strand). Cytogenetic location: 15q25.3.
Variant type: single nucleotide variant.
Coding change: c.4198G>A on transcript NM_020778.5 (MANE Select); coding-DNA position 4198, G replaced by A.
Protein change: p.Asp1400Asn; replaces aspartic acid 1400 with asparagine.
Molecular consequence: missense variant.
Genome position (GRCh38, 1-based): chr15:84,862,703, G>A. VCF-style: chr15-84862703-G-A. GRCh37 (hg19) VCF-style: chr15-85405934-G-A.
Other names: short protein forms D1400N.
Identifiers: ClinVar variation 3622443 (VCV003622443.2).

ClinVar aggregate classification (germline): Uncertain significance (1 of 4 stars; one submission).

gnomAD v4.1: 4 of 1,614,064 alleles (0.00025%); highest among the groups gnomAD compares: East Asian, 0.0067%; no homozygotes.

Submission:

Labcorp Genetics (formerly Invitae), Labcorp
Classification: Uncertain significance. Last evaluated: 2025-06-02. Review status: criteria provided, single submitter. Criteria: Invitae Variant Classification Sherloc (09022015). Collection method: clinical testing. Allele origin: germline.
Comment: This sequence change replaces aspartic acid, which is acidic and polar, with asparagine, which is neutral and polar, at codon 1602 of the ALPK3 protein (p.Asp1602Asn). This variant is present in population databases (rs768673780, gnomAD 0.01%). This variant has not been reported in the literature in individuals affected with ALPK3-related conditions. ClinVar contains an entry for this variant (Variation ID: 3622443). Invitae Evidence Modeling of protein sequence and biophysical properties (such as structural, functional, and spatial information, amino acid conservation, physicochemical variation, residue mobility, and thermodynamic stability) indicates that this missense variant is expected to disrupt ALPK3 protein function with a positive predictive value of 80%. In summary, the available evidence is currently insufficient to determine the role of this variant in disease. Therefore, it has been classified as a Variant of Uncertain Significance.